The following is an entry in ClinVar:

ClinVar aggregate classification (germline): Uncertain significance (1 of 4 stars; one submission).

Conditions:
Malignant hyperthermia, susceptibility to, 1 (MHS1). Also called: RYR1-Related Malignant Hyperthermia Susceptibility; Anesthesia related hyperthermia; Malignant hyperpyrexia; Fulminating hyperpyrexia; Pharmacogenic myopathy; Malignant hyperthermia suceptibility 1. Identifiers: Orphanet 423, MedGen C2930980, MONDO:0007783, OMIM 145600.

Submission:

All of Us Research Program, National Institutes of Health
Classification: Uncertain significance for Malignant hyperthermia, susceptibility to, 1. Last evaluated: 2023-02-24. Review status: criteria provided, single submitter. Criteria: ACMG Guidelines, 2015. Collection method: clinical testing. Allele origin: germline. Inheritance: Autosomal dominant inheritance. Observed: 1 variant allele, 1 heterozygote.
Comment: This missense variant replaces glycine with valine at codon 428 of the RYR1 protein. Computational prediction suggests that this variant may not impact protein structure and function (internally defined REVEL score threshold <= 0.5, PMID: 27666373). To our knowledge, functional studies have not been reported for this variant. This variant has not been reported in individuals affected with RYR1-related disorders in the literature. This variant has not been identified in the general population by the Genome Aggregation Database (gnomAD). The available evidence is insufficient to determine the role of this variant in disease conclusively. Therefore, this variant is classified as a Variant of Uncertain Significance.

This study involves interpretation of variants in research participants for the purpose of population health screening. Participant phenotype was not available at the time of variant classification. Additional details can be found in publication PMID: 35346344, PMCID: PMC8962531

NM_000540.3(RYR1):c.1283G>T (p.Gly428Val)

Gene: RYR1 (ryanodine receptor 1; plus strand). Cytogenetic location: 19q13.2.
Variant type: single nucleotide variant.
Coding change: c.1283G>T on transcript NM_000540.3 (MANE Select); coding-DNA position 1283, G replaced by T.
Protein change: p.Gly428Val; replaces glycine 428 with valine.
Molecular consequence: missense variant.
Genome position (GRCh38, 1-based): chr19:38,452,857, G>T. VCF-style: chr19-38452857-G-T. GRCh37 (hg19) VCF-style: chr19-38943497-G-T.
Other names: c.1283G>T, p.Gly428Val (NM_001042723.2); short protein forms G428V.
Identifiers: ClinVar variation 3069715 (VCV003069715.1), dbSNP rs1265908926, ClinGen allele CA405685472.